The following is an entry in ClinVar:

ClinVar aggregate classification (germline): Uncertain significance (1 of 4 stars; one submission).

gnomAD v4.1: 14 of 1,613,986 alleles (0.00087%); highest among the groups gnomAD compares: Admixed American, 0.0017%; no homozygotes.

Submission:

GeneDx
Classification: Uncertain significance. Last evaluated: 2023-10-16. Review status: criteria provided, single submitter. Criteria: GeneDx Variant Classification Process June 2021. Collection method: clinical testing. Allele origin: germline. Affected: yes.
Comment: Not observed at significant frequency in large population cohorts (gnomAD); In silico analysis supports that this missense variant has a deleterious effect on protein structure/function; Has not been previously published as pathogenic or benign to our knowledge

NM_020937.4(FANCM):c.5866A>G (p.Asn1956Asp)

Gene: FANCM (FA complementation group M; plus strand). Cytogenetic location: 14q21.2.
Variant type: single nucleotide variant.
Coding change: c.5866A>G on transcript NM_020937.4 (MANE Select); coding-DNA position 5866, A replaced by G.
Protein change: p.Asn1956Asp; replaces asparagine 1956 with aspartic acid.
Molecular consequence: missense variant.
Genome position (GRCh38, 1-based): chr14:45,198,793, A>G. VCF-style: chr14-45198793-A-G. GRCh37 (hg19) VCF-style: chr14-45667996-A-G.
Other names: c.5788A>G, p.Asn1930Asp (NM_001308133.2); short protein forms N1930D, N1956D.
Identifiers: ClinVar variation 3366120 (VCV003366120.1).